The following is an entry in ClinVar:

NM_006509.4(RELB):c.1723G>A (p.Gly575Arg)

Gene: RELB (RELB proto-oncogene, NF-kB subunit; plus strand). Cytogenetic location: 19q13.32.
Variant type: single nucleotide variant.
Coding change: c.1723G>A on transcript NM_006509.4 (MANE Select); coding-DNA position 1723, G replaced by A.
Protein change: p.Gly575Arg; replaces glycine 575 with arginine.
Molecular consequence: missense variant.
Genome position (GRCh38, 1-based): chr19:45,037,773, G>A. VCF-style: chr19-45037773-G-A. GRCh37 (hg19) VCF-style: chr19-45541031-G-A.
Other names: c.1714G>A, p.Gly572Arg (NM_001411087.1); short protein forms G572R, G575R.
Identifiers: ClinVar variation 3699024 (VCV003699024.2).

ClinVar aggregate classification (germline): Uncertain significance (1 of 4 stars; one submission).

Submission:

Labcorp Genetics (formerly Invitae), Labcorp
Classification: Uncertain significance. Last evaluated: 2024-03-09. Review status: criteria provided, single submitter. Criteria: Invitae Variant Classification Sherloc (09022015). Collection method: clinical testing. Allele origin: germline.
Comment: This sequence change replaces glycine, which is neutral and non-polar, with arginine, which is basic and polar, at codon 575 of the RELB protein (p.Gly575Arg). This variant is not present in population databases (gnomAD no frequency). This variant has not been reported in the literature in individuals affected with RELB-related conditions. An algorithm developed to predict the effect of missense changes on protein structure and function (PolyPhen-2) suggests that this variant is likely to be disruptive. In summary, the available evidence is currently insufficient to determine the role of this variant in disease. Therefore, it has been classified as a Variant of Uncertain Significance.